The following is an entry in ClinVar:

NM_002303.6(LEPR):c.1995+9A>G

Gene: LEPR (leptin receptor; plus strand). Cytogenetic location: 1p31.3.
Variant type: single nucleotide variant.
Coding change: c.1995+9A>G on transcript NM_002303.6 (MANE Select); 9 bases into the intron after coding-DNA position 1995, A replaced by G.
Molecular consequence: intron variant.
Genome position (GRCh38, 1-based): chr1:65,610,305, A>G. VCF-style: chr1-65610305-A-G. GRCh37 (hg19) VCF-style: chr1-66075988-A-G.
Other names: c.1995+9A>G (NM_001003679.3, NM_001003680.3, NM_001198689.2 and 2 more transcripts).
Identifiers: ClinVar variation 5002079 (VCV005002079.1).

ClinVar aggregate classification (germline): Likely benign (1 of 4 stars; one submission).

Conditions:
LEPR-related disorder. Also called: LEPR-related disorders; LEPR-related condition.

Submission:

PreventionGenetics, part of Exact Sciences
Classification: Likely benign for LEPR-related condition. Last evaluated: 2025-01-15. Review status: criteria provided, single submitter. Criteria: ACMG Guidelines, 2015. Collection method: clinical testing. Allele origin: germline.
Comment: This variant is classified as likely benign based on ACMG/AMP sequence variant interpretation guidelines (Richards et al. 2015 PMID: 25741868, with internal and published modifications).